The following is an entry in ClinVar:

ClinVar aggregate classification (germline): Uncertain significance. Review status: criteria provided, multiple submitters, no conflicts (2 of 4 stars). 2 submissions from 2 submitters: Uncertain significance (2). Last evaluated 2025-02-10.

Conditions:
Episodic ataxia type 2 (EA2). Also called: ATAXIA, EPISODIC, WITH NYSTAGMUS; ATAXIA, FAMILIAL PAROXYSMAL; ACETAZOLAMIDE-RESPONSIVE HEREDITARY PAROXYSMAL CEREBELLAR ATAXIA; CEREBELLAR ATAXIA, PAROXYSMAL, ACETAZOLAMIDE-RESPONSIVE; CEREBELLOPATHY, HEREDITARY PAROXYSMAL; EPISODIC ATAXIA, NYSTAGMUS-ASSOCIATED. Identifiers: Orphanet 97, MedGen C1720416, MONDO:0007163, OMIM 108500.
Developmental and epileptic encephalopathy, 42 (DEE42A). Also called: Epileptic encephalopathy, early infantile, 42; DEVELOPMENTAL AND EPILEPTIC ENCEPHALOPATHY 42A; EPILEPTIC ENCEPHALOPATHY, EARLY INFANTILE, 42A. Identifiers: MedGen C4310716, MONDO:0014917, OMIM 617106.

Submissions (2):

GeneDx
Classification: Uncertain significance. Last evaluated: 2025-02-10. Review status: criteria provided, single submitter. Criteria: GeneDx Variant Classification Process June 2021. Collection method: clinical testing. Allele origin: germline. Affected: yes.
Comment: Not observed at significant frequency in large population cohorts (gnomAD); In silico analysis supports that this missense variant has a deleterious effect on protein structure/function; Has not been previously published as pathogenic or benign to our knowledge

Labcorp Genetics (formerly Invitae), Labcorp
Classification: Uncertain significance for Developmental and epileptic encephalopathy, 42; Episodic ataxia type 2. Last evaluated: 2024-11-18. Review status: criteria provided, single submitter. Criteria: Invitae Variant Classification Sherloc (09022015). Collection method: clinical testing. Allele origin: germline.
Comment: This sequence change replaces lysine, which is basic and polar, with arginine, which is basic and polar, at codon 612 of the CACNA1A protein (p.Lys612Arg). This variant is not present in population databases (gnomAD no frequency). This variant has not been reported in the literature in individuals affected with CACNA1A-related conditions. Invitae Evidence Modeling of protein sequence and biophysical properties (such as structural, functional, and spatial information, amino acid conservation, physicochemical variation, residue mobility, and thermodynamic stability) has been performed for this missense variant. However, the output from this modeling did not meet the statistical confidence thresholds required to predict the impact of this variant on CACNA1A protein function. In summary, the available evidence is currently insufficient to determine the role of this variant in disease. Therefore, it has been classified as a Variant of Uncertain Significance.

NM_001127222.2(CACNA1A):c.1832A>G (p.Lys611Arg)

Gene: CACNA1A (calcium voltage-gated channel subunit alpha1 A; minus strand). Cytogenetic location: 19p13.13.
Variant type: single nucleotide variant.
Coding change: c.1832A>G on transcript NM_001127222.2 (MANE Select); coding-DNA position 1832, A replaced by G.
Protein change: p.Lys611Arg; replaces lysine 611 with arginine.
Molecular consequence: missense variant.
Genome position (GRCh38, 1-based): chr19:13,308,201, T>C on the plus strand (A>G on the coding strand, the complement: CACNA1A is on the minus strand). VCF-style: chr19-13308201-T-C. GRCh37 (hg19) VCF-style: chr19-13419015-T-C.
Other names: c.1835A>G, p.Lys612Arg (NM_000068.4, NM_001127221.2, NM_001174080.2 and 1 more transcripts); short protein forms K611R, K612R.
Identifiers: ClinVar variation 3754167 (VCV003754167.3).
Genomic context (GRCh38, chr19:13,308,201, plus strand): 5'-CCCAAAAGGGCGAAGACGACAATGAACAGGAAAAGGAGAAACAACAGGCTGATGATGGAC[T>C]TCATGGAGTTGAGGAGAGAGACGACCAGGTTTCTGAGAGATGCCCAGTACCTGCCGACAG-3'
Protein context (NP_001120694.1, residues 601-621): NLVVSLLNSM[Lys611Arg]SIISLLFLLF